The following is an entry in ClinVar:

NM_001365276.2(TNXB):c.1833C>T (p.Tyr611=)

Gene: TNXB (tenascin XB; minus strand). Cytogenetic location: 6p21.33.
Variant type: single nucleotide variant.
Coding change: c.1833C>T on transcript NM_001365276.2 (MANE Select); coding-DNA position 1833, C replaced by T.
Protein change: p.Tyr611=; no amino-acid change (tyrosine 611 retained).
Molecular consequence: synonymous variant.
Genome position (GRCh38, 1-based): chr6:32,096,020, G>A on the plus strand (C>T on the coding strand, the complement: TNXB is on the minus strand). VCF-style: chr6-32096020-G-A. GRCh37 (hg19) VCF-style: chr6-32063797-G-A.
Other names: c.1833C>T, p.Tyr611= (NM_019105.8).
Identifiers: ClinVar variation 1780998 (VCV001780998.4), dbSNP rs767856741, ClinGen allele CA3735613.

ClinVar aggregate classification (germline): Likely benign. Review status: criteria provided, multiple submitters, no conflicts (2 of 4 stars). 3 submissions from 3 submitters: Likely benign (3). Last evaluated 2026-06-25.

Conditions:
Cardiovascular phenotype. Identifiers: MedGen CN230736.
TNXB-related disorder. Also called: TNXB-related condition.

Allele frequency attached by ClinVar (database versions not stated): TOPMed below 0.00001; gnomAD 0.00001; gnomAD exomes 0.00002; ExAC 0.00006.
gnomAD v4.1: 38 of 1,612,988 alleles (0.0024%); highest among the groups gnomAD compares: South Asian, 0.035%; no homozygotes.

Submissions (3):

PreventionGenetics, part of Exact Sciences
Classification: Likely benign for TNXB-related condition. Last evaluated: 2026-06-25. Review status: criteria provided, single submitter. Criteria: ACMG Guidelines, 2015. Collection method: clinical testing. Allele origin: germline.
Comment: This variant is classified as likely benign based on ACMG/AMP sequence variant interpretation guidelines (Richards et al. 2015 PMID: 25741868, with internal and published modifications).

Women's Health and Genetics/Laboratory Corporation of America, LabCorp
Classification: Likely benign. Last evaluated: 2026-04-28. Review status: criteria provided, single submitter. Criteria: LabCorp Variant Classification Summary - May 2015. Collection method: clinical testing. Allele origin: germline.

Ambry Genetics
Classification: Likely benign for Cardiovascular phenotype. Last evaluated: 2021-08-02. Review status: criteria provided, single submitter. Criteria: Ambry Variant Classification Scheme 2023. Collection method: clinical testing. Allele origin: germline.